The following is an entry in ClinVar:

NM_004064.5(CDKN1B):c.358G>A (p.Gly120Arg)

Gene: CDKN1B (cyclin dependent kinase inhibitor 1B; plus strand). Cytogenetic location: 12p13.1.
Variant type: single nucleotide variant.
Coding change: c.358G>A on transcript NM_004064.5 (MANE Select); coding-DNA position 358, G replaced by A.
Protein change: p.Gly120Arg; replaces glycine 120 with arginine.
Molecular consequence: missense variant.
Genome position (GRCh38, 1-based): chr12:12,718,197, G>A. VCF-style: chr12-12718197-G-A. GRCh37 (hg19) VCF-style: chr12-12871131-G-A.
Other names: short protein forms G120R.
Identifiers: ClinVar variation 2497642 (VCV002497642.2), dbSNP rs1211068958, ClinGen allele CA383970385.
Genomic context (GRCh38, chr12:12,718,197, plus strand): 5'-AAGGTGCCGGCGCAGGAGAGCCAGGATGTCAGCGGGAGCCGCCCGGCGGCGCCTTTAATT[G>A]GGGCTCCGGCTAACTCTGAGGACACGCATTTGGTGGACCCAAAGACTGATCCGTCGGACA-3'
Protein context (NP_004055.1, residues 110-130): SGSRPAAPLI[Gly120Arg]APANSEDTHL

ClinVar aggregate classification (germline): Uncertain significance (1 of 4 stars; one submission).

Conditions:
Hereditary cancer-predisposing syndrome. Also called: Neoplastic Syndromes, Hereditary; Hereditary neoplastic syndrome; Tumor predisposition; Hereditary Cancer Syndrome. Identifiers: Orphanet 140162, MedGen C0027672, MeSH D009386, MONDO:0015356.

Submission:

Ambry Genetics
Classification: Uncertain significance for Hereditary cancer-predisposing syndrome. Last evaluated: 2023-02-09. Review status: criteria provided, single submitter. Criteria: Ambry Variant Classification Scheme 2023. Collection method: clinical testing. Allele origin: germline.
Comment: The p.G120R variant (also known as c.358G>A), located in coding exon 1 of the CDKN1B gene, results from a G to A substitution at nucleotide position 358. The glycine at codon 120 is replaced by arginine, an amino acid with dissimilar properties. This amino acid position is conserved. In addition, this alteration is predicted to be tolerated by in silico analysis. Since supporting evidence is limited at this time, the clinical significance of this alteration remains unclear.